The following is an entry in ClinVar:

NM_000135.4(FANCA):c.1439T>G (p.Leu480Arg)

Gene: FANCA (FA complementation group A; minus strand). Cytogenetic location: 16q24.3.
Variant type: single nucleotide variant.
Coding change: c.1439T>G on transcript NM_000135.4 (MANE Select); coding-DNA position 1439, T replaced by G.
Protein change: p.Leu480Arg; replaces leucine 480 with arginine.
Molecular consequence: missense variant.
Genome position (GRCh38, 1-based): chr16:89,784,885, A>C on the plus strand (T>G on the coding strand, the complement: FANCA is on the minus strand). VCF-style: chr16-89784885-A-C. GRCh37 (hg19) VCF-style: chr16-89851293-A-C.
Other names: c.1439T>G, p.Leu480Arg (NM_001286167.3); short protein forms L480R.
Identifiers: ClinVar variation 1378418 (VCV001378418.8), dbSNP rs2143476647, ClinGen allele CA397459746.

ClinVar aggregate classification (germline): Uncertain significance (1 of 4 stars; one submission).

Conditions:
Fanconi anemia (FA). Also called: Fanconi's anemia. Identifiers: Orphanet 84, MedGen C0015625, MeSH D005199, MONDO:0019391.

Submission:

Labcorp Genetics (formerly Invitae), Labcorp
Classification: Uncertain significance for Fanconi anemia. Last evaluated: 2021-03-12. Review status: criteria provided, single submitter. Criteria: Invitae Variant Classification Sherloc (09022015). Collection method: clinical testing. Allele origin: germline.
Comment: In summary, the available evidence is currently insufficient to determine the role of this variant in disease. Therefore, it has been classified as a Variant of Uncertain Significance. Advanced modeling of protein sequence and biophysical properties (such as structural, functional, and spatial information, amino acid conservation, physicochemical variation, residue mobility, and thermodynamic stability) performed at Invitae indicates that this missense variant is expected to disrupt FANCA protein function. This variant has not been reported in the literature in individuals with FANCA-related conditions. This variant is not present in population databases (ExAC no frequency). This sequence change replaces leucine with arginine at codon 480 of the FANCA protein (p.Leu480Arg). The leucine residue is highly conserved and there is a moderate physicochemical difference between leucine and arginine.